The following is an entry in ClinVar:

NM_014915.3(ANKRD26):c.687T>G (p.His229Gln)

Gene: ANKRD26 (ankyrin repeat domain containing 26; minus strand). Cytogenetic location: 10p12.1.
Variant type: single nucleotide variant.
Coding change: c.687T>G on transcript NM_014915.3 (MANE Select); coding-DNA position 687, T replaced by G.
Protein change: p.His229Gln; replaces histidine 229 with glutamine.
Molecular consequence: missense variant.
Genome position (GRCh38, 1-based): chr10:27,086,561, A>C on the plus strand (T>G on the coding strand, the complement: ANKRD26 is on the minus strand). VCF-style: chr10-27086561-A-C. GRCh37 (hg19) VCF-style: chr10-27375490-A-C.
Other names: c.687T>G, p.His229Gln (NM_001256053.2); short protein forms H229Q.
Identifiers: ClinVar variation 3573916 (VCV003573916.2).

ClinVar aggregate classification (germline): Uncertain significance. Review status: criteria provided, multiple submitters, no conflicts (2 of 4 stars). 2 submissions from 2 submitters: Uncertain significance (2). Last evaluated 2025-06-20.

Conditions:
Inborn genetic diseases. Identifiers: MedGen C0950123, MeSH D030342.

Submissions (2):

Ambry Genetics
Classification: Uncertain significance for Inborn genetic diseases. Last evaluated: 2025-06-20. Review status: criteria provided, single submitter. Criteria: Ambry Variant Classification Scheme 2023. Collection method: clinical testing. Allele origin: germline.
Comment: The p.H229Q variant (also known as c.687T>G), located in coding exon 5 of the ANKRD26 gene, results from a T to G substitution at nucleotide position 687. The histidine at codon 229 is replaced by glutamine, an amino acid with highly similar properties. This amino acid position is conserved. In addition, this alteration is predicted to be tolerated by in silico analysis. Based on the available evidence, the clinical significance of this variant remains unclear.

GeneDx
Classification: Uncertain significance. Last evaluated: 2024-07-19. Review status: criteria provided, single submitter. Criteria: GeneDx Variant Classification Process June 2021. Collection method: clinical testing. Allele origin: germline. Affected: yes.
Comment: Not observed at significant frequency in large population cohorts (gnomAD); In silico analysis indicates that this missense variant does not alter protein structure/function; Has not been previously published as pathogenic or benign to our knowledge